The following is an entry in ClinVar:

NM_021620.4(PRDM13):c.398-2A>C

Gene: PRDM13 (PR/SET domain 13; plus strand). Cytogenetic location: 6q16.2.
Variant type: single nucleotide variant.
Coding change: c.398-2A>C on transcript NM_021620.4 (MANE Select); the canonical splice acceptor site of the intron before coding-DNA position 398, A replaced by C.
Molecular consequence: splice acceptor variant.
Genome position (GRCh38, 1-based): chr6:99,613,031, A>C. VCF-style: chr6-99613031-A-C. GRCh37 (hg19) VCF-style: chr6-100060907-A-C.
Identifiers: ClinVar variation 2164570 (VCV002164570.4), dbSNP rs2538544212, ClinGen allele CA365114932.

ClinVar aggregate classification (germline): Uncertain significance (1 of 4 stars; one submission).

Submission:

Labcorp Genetics (formerly Invitae), Labcorp
Classification: Uncertain significance. Last evaluated: 2022-09-23. Review status: criteria provided, single submitter. Criteria: Invitae Variant Classification Sherloc (09022015). Collection method: clinical testing. Allele origin: germline.
Comment: In summary, the available evidence is currently insufficient to determine the role of this variant in disease. Therefore, it has been classified as a Variant of Uncertain Significance. Variants that disrupt the consensus splice site are a relatively common cause of aberrant splicing (PMID: 17576681, 9536098). Algorithms developed to predict the effect of sequence changes on RNA splicing suggest that this variant may disrupt the consensus splice site. This variant has not been reported in the literature in individuals affected with PRDM13-related conditions. This variant is not present in population databases (gnomAD no frequency). This sequence change falls in intron 3 of the PRDM13 gene. It does not directly change the encoded amino acid sequence of the PRDM13 protein. It affects a nucleotide within the consensus splice site.

Literature cited by the submitters: PubMed 17576681; PubMed 9536098.